The following is an entry in ClinVar:

ClinVar aggregate classification (germline): Benign/Likely benign. Review status: criteria provided, multiple submitters, no conflicts (2 of 4 stars). 3 submissions from 3 submitters: Benign (1); Likely benign (2). Last evaluated 2025-03-04.

Conditions:
Pheochromocytoma/paraganglioma syndrome 5. Also called: Paragangliomas 5; SDHA-Related Hereditary Paraganglioma-Pheochromocytoma Syndrome. Identifiers: Orphanet 29072, MedGen C3279992, MONDO:0013602, OMIM 614165.
Mitochondrial complex II deficiency, nuclear type 1. Also called: SUCCINATE CoQ REDUCTASE DEFICIENCY. Identifiers: Orphanet 3208, MedGen C5700310, MONDO:0100294, OMIM 252011.
Hereditary cancer-predisposing syndrome. Also called: Tumor predisposition; Neoplastic Syndromes, Hereditary; Hereditary Cancer Syndrome; Hereditary neoplastic syndrome. Identifiers: Orphanet 140162, MedGen C0027672, MeSH D009386, MONDO:0015356.

Allele frequency attached by ClinVar (database versions not stated): TOPMed 0.00001.

Submissions (3):

Myriad Genetics, Inc.
Classification: Benign for Pheochromocytoma/paraganglioma syndrome 5. Last evaluated: 2025-03-04. Review status: criteria provided, single submitter. Criteria: Myriad Autosomal Dominant, Autosomal Recessive and X-Linked Classification Criteria (2023). Collection method: clinical testing. Allele origin: unknown.
Comment: This variant is considered benign. This variant is a silent/synonymous amino acid change and it is not expected to impact splicing.

Labcorp Genetics (formerly Invitae), Labcorp
Classification: Likely benign for Pheochromocytoma/paraganglioma syndrome 5; Mitochondrial complex II deficiency, nuclear type 1. Last evaluated: 2023-11-30. Review status: criteria provided, single submitter. Criteria: Invitae Variant Classification Sherloc (09022015). Collection method: clinical testing. Allele origin: germline.

Ambry Genetics
Classification: Likely benign for Hereditary cancer-predisposing syndrome. Last evaluated: 2022-07-01. Review status: criteria provided, single submitter. Criteria: Ambry Variant Classification Scheme 2023. Collection method: clinical testing. Allele origin: germline.

NM_004168.4(SDHA):c.897C>T (p.Gly299=)

Gene: SDHA (succinate dehydrogenase complex flavoprotein subunit A; plus strand). Cytogenetic location: 5p15.33.
Variant type: single nucleotide variant.
Coding change: c.897C>T on transcript NM_004168.4 (MANE Select); coding-DNA position 897, C replaced by T.
Protein change: p.Gly299=; no amino-acid change (glycine 299 retained).
Molecular consequence: synonymous variant.
Genome position (GRCh38, 1-based): chr5:233,478, C>T. VCF-style: chr5-233478-C-T. GRCh37 (hg19) VCF-style: chr5-233593-C-T.
Other names: c.753C>T, p.Gly251= (NM_001294332.2); c.897C>T, p.Gly299= (NM_001330758.2).
Identifiers: ClinVar variation 643927 (VCV000643927.12), dbSNP rs1484385016, ClinGen allele CA442691642.
Genomic context (GRCh38, chr5:233,478, plus strand): 5'-TGCATTTGAAATAGAGATCTAGCAATTGTTAGGTAATAAATATGTGTGGTTTTTTGCAGG[C>T]ATATATGGTGCTGGTTGTCTCATTACGGAAGGATGTCGTGGAGAGGGAGGCATTCTCATT-3'
Protein context (NP_004159.2, residues 289-309): DLEFVQFHPT[Gly299=]IYGAGCLITE